The following is an entry in ClinVar:

ClinVar aggregate classification (germline): Likely benign (1 of 4 stars; one submission).

Submission:

Mayo Clinic Laboratories, Mayo Clinic
Classification: Likely benign. Last evaluated: 2025-07-22. Review status: criteria provided, single submitter. Criteria: ACMG Guidelines, 2015. Collection method: clinical testing. Allele origin: germline. Observed: 1 variant allele.
Comment: BP1, BP4_moderate

NM_002113.3(CFHR1):c.47T>C (p.Val16Ala)

Gene: CFHR1 (complement factor H related 1; plus strand). Cytogenetic location: 1q31.3.
Variant type: single nucleotide variant.
Coding change: c.47T>C on transcript NM_002113.3 (MANE Select); coding-DNA position 47, T replaced by C.
Protein change: p.Val16Ala; replaces valine 16 with alanine.
Molecular consequence: missense variant.
Genome position (GRCh38, 1-based): chr1:196,819,891, T>C. VCF-style: chr1-196819891-T-C. GRCh37 (hg19) VCF-style: chr1-196789021-T-C.
Other names: p.Val16Ala; c.47T>C, p.Val16Ala (NM_001379306.1, NM_001379307.1, NM_001379308.1 and 4 more transcripts); short protein forms V16A.
Identifiers: ClinVar variation 4683956 (VCV004683956.1).